The following is an entry in ClinVar:

NM_000096.4(CP):c.1748C>T (p.Thr583Ile)

Gene: CP (ceruloplasmin; minus strand). Cytogenetic location: 3q24.
Variant type: single nucleotide variant.
Coding change: c.1748C>T on transcript NM_000096.4 (MANE Select); coding-DNA position 1748, C replaced by T.
Protein change: p.Thr583Ile; replaces threonine 583 with isoleucine.
Molecular consequence: missense variant. On other transcripts: non-coding transcript variant (1).
Genome position (GRCh38, 1-based): chr3:149,188,168, G>A on the plus strand (C>T on the coding strand, the complement: CP is on the minus strand). VCF-style: chr3-149188168-G-A. GRCh37 (hg19) VCF-style: chr3-148905955-G-A.
Other names: c.1748C>T (NM_000096.3); short protein forms T583I.
Identifiers: ClinVar variation 2046464 (VCV002046464.3), dbSNP rs149267362, ClinGen allele CA2660927.

ClinVar aggregate classification (germline): Uncertain significance. Review status: criteria provided, multiple submitters, no conflicts (2 of 4 stars). 2 submissions from 2 submitters: Uncertain significance (2). Last evaluated 2024-08-05.

Conditions:
Deficiency of ferroxidase (ACEP). Also called: Ceruloplasmin deficiency; Familial apoceruloplasmin deficiency; Hereditary ceruloplasmin deficiency; Deficiency of ceruloplasmin; NEURODEGENERATION WITH BRAIN IRON ACCUMULATION 10; Aceruloplasminemia. Identifiers: Orphanet 48818, MedGen C0878682, MONDO:0011426, OMIM 604290, HP:0025498.
Inborn genetic diseases. Identifiers: MedGen C0950123, MeSH D030342.

Allele frequency attached by ClinVar (database versions not stated): gnomAD exomes 0.00002; ExAC 0.00005; ESP Exome Variant Server 0.00015; gnomAD 0.00015; TOPMed 0.00022.
gnomAD v4.1: 44 of 1,612,032 alleles (0.0027%); highest among the groups gnomAD compares: African/African-American, 0.056%; no homozygotes.

Submissions (2):

Labcorp Genetics (formerly Invitae), Labcorp
Classification: Uncertain significance for Deficiency of ferroxidase. Last evaluated: 2024-08-05. Review status: criteria provided, single submitter. Criteria: Invitae Variant Classification Sherloc (09022015). Collection method: clinical testing. Allele origin: germline.
Comment: This sequence change replaces threonine, which is neutral and polar, with isoleucine, which is neutral and non-polar, at codon 583 of the CP protein (p.Thr583Ile). This variant is present in population databases (rs149267362, gnomAD 0.06%). This variant has not been reported in the literature in individuals affected with CP-related conditions. ClinVar contains an entry for this variant (Variation ID: 2046464). Advanced modeling of protein sequence and biophysical properties (such as structural, functional, and spatial information, amino acid conservation, physicochemical variation, residue mobility, and thermodynamic stability) performed at Invitae indicates that this missense variant is expected to disrupt CP protein function with a positive predictive value of 80%. In summary, the available evidence is currently insufficient to determine the role of this variant in disease. Therefore, it has been classified as a Variant of Uncertain Significance.

Ambry Genetics
Classification: Uncertain significance for Inborn genetic diseases. Last evaluated: 2024-02-21. Review status: criteria provided, single submitter. Criteria: Ambry Variant Classification Scheme 2023. Collection method: clinical testing. Allele origin: germline.